The following is an entry in ClinVar:

NM_001379286.1(ZNF423):c.1176G>A (p.Pro392=)

Gene: ZNF423 (zinc finger protein 423; minus strand). Cytogenetic location: 16q12.1.
Variant type: single nucleotide variant.
Coding change: c.1176G>A on transcript NM_001379286.1 (MANE Select); coding-DNA position 1176, G replaced by A.
Protein change: p.Pro392=; no amino-acid change (proline 392 retained).
Molecular consequence: synonymous variant.
Genome position (GRCh38, 1-based): chr16:49,638,000, C>T on the plus strand (G>A on the coding strand, the complement: ZNF423 is on the minus strand). VCF-style: chr16-49638000-C-T. GRCh37 (hg19) VCF-style: chr16-49671911-C-T.
Other names: c.1152G>A (NM_015069.2, NM_015069.4); c.972G>A, p.Pro324= (NM_001271620.2); c.801G>A, p.Pro267= (NM_001330533.2); c.1152G>A, p.Pro384= (NM_015069.5).
Identifiers: ClinVar variation 498000 (VCV000498000.16), dbSNP rs748728165, ClinGen allele CA8046741.

ClinVar aggregate classification (germline): Conflicting classifications of pathogenicity. Review status: criteria provided, conflicting classifications (1 of 4 stars). 5 submissions from 5 submitters: Uncertain significance (1); Likely benign (4). Last evaluated 2026-01-12.

Conditions:
ZNF423-related disorder. Also called: ZNF423-related condition.
Nephronophthisis 14 (NPHP14). Identifiers: Orphanet 2318, MedGen C3539071, MONDO:0013916, OMIM 614844.

Allele frequency attached by ClinVar (database versions not stated): TOPMed 0.00001; gnomAD exomes 0.00005; ExAC 0.00007.
gnomAD v4.1: 53 of 1,613,950 alleles (0.0033%); highest among the groups gnomAD compares: South Asian, 0.032%; no homozygotes.

Submissions (5):

Labcorp Genetics (formerly Invitae), Labcorp
Classification: Likely benign for Nephronophthisis 14. Last evaluated: 2026-01-12. Review status: criteria provided, single submitter. Criteria: Invitae Variant Classification Sherloc (09022015). Collection method: clinical testing. Allele origin: germline.

PreventionGenetics, part of Exact Sciences
Classification: Likely benign for ZNF423-related condition. Last evaluated: 2026-01-09. Review status: criteria provided, single submitter. Criteria: ACMG Guidelines, 2015. Collection method: clinical testing. Allele origin: germline.
Comment: This variant is classified as likely benign based on ACMG/AMP sequence variant interpretation guidelines (Richards et al. 2015 PMID: 25741868, with internal and published modifications).

Ambry Genetics
Classification: Likely benign. Last evaluated: 2025-03-11. Review status: criteria provided, single submitter. Criteria: Ambry Variant Classification Scheme 2023. Collection method: clinical testing. Allele origin: germline.

Blueprint Genetics
Classification: Likely benign. Last evaluated: 2024-03-16. Review status: criteria provided, single submitter. Criteria: ACMG Guidelines, 2015. Collection method: clinical testing. Allele origin: germline.

Eurofins Ntd Llc (ga)
Classification: Uncertain significance. Last evaluated: 2016-11-17. Review status: criteria provided, single submitter. Criteria: EGL Classification Definitions 2015. Collection method: clinical testing. Allele origin: germline. Observed: 1 variant allele, 1 heterozygote.